The following is an entry in ClinVar:

ClinVar aggregate classification (germline): Pathogenic (0 of 4 stars; one submission).

Conditions:
Steinert myotonic dystrophy syndrome (DM1). Also called: STEINERT DISEASE; Myotonic dystrophy type 1; Dystrophia myotonica type 1; Steinert myotonic dystrophy; Steinert's disease. Identifiers: Orphanet 273, MedGen C3250443, MONDO:0008056, OMIM 160900.

Submission:

Institute of Molecular, Cell and Systems Biology, University of Glasgow
Classification: Pathogenic for Steinert myotonic dystrophy syndrome. Review status: no assertion criteria provided. Criteria: research. Collection method: research. Allele origin: germline. Inheritance: Autosomal dominant inheritance. Affected: yes. Observed: 1 heterozygote.
Comment: DMPK CTG repeat expansions greater than approximately 45-50 repeats are assumed to be pathogenic

This record is based on data published in PubMed 25052313, which reports only ClinVar accessions SCV000120188 and SCV000120189. The complete data set includes SCV000207445 - SCV000207579.

Literature cited by the submitters: PubMed 1346923; PubMed 1546326; PubMed 25052313.

NM_004409.5(DMPK):c.*224CTG[229]

Genes: DM1-AS (DM1 locus antisense RNA; plus strand), DMPK (DM1 protein kinase; minus strand), LOC107075317 (origin of replication in DMPK trinucleotide repeat region; plus strand), LOC109461477 (dystrophia myotonica protein kinase repeat instability region; plus strand). Cytogenetic location: 19q13.32.
Variant type: Microsatellite.
Coding change: c.*224CTG[229] on transcript NM_004409.5 (MANE Select); 229 copies in a row of the 3-base unit CTG starting at c.*224.
Molecular consequence: 3 prime UTR variant.
Genome position: GRCh38, VCF-style position (the base before the change): chr19:45,770,204. GRCh37 (hg19), VCF-style position (the base before the change): chr19:46,273,462.
Other names: DM1 CTG repeat expansion; c.*224CTG[229] (NM_001081560.3, NM_001288764.2, NM_001424165.1 and 1 more transcripts); c.*217CTG[229] (NM_001081562.3, NM_001288765.2, NM_001424162.1 and 2 more transcripts); c.*222_*224TGC[229] (NM_001081563.3); c.*369CTG[229] (NM_001288766.2, NM_001424164.1, NM_001424168.1).
Identifiers: ClinVar variation 187940 (VCV000187940.1), ClinGen allele CA915951737.